The following is an entry in ClinVar:

NM_030773.4(TUBB1):c.653C>T (p.Thr218Met)

Gene: TUBB1 (tubulin beta 1 class VI; plus strand). Cytogenetic location: 20q13.32.
Variant type: single nucleotide variant.
Coding change: c.653C>T on transcript NM_030773.4 (MANE Select); coding-DNA position 653, C replaced by T.
Protein change: p.Thr218Met; replaces threonine 218 with methionine.
Molecular consequence: missense variant.
Genome position (GRCh38, 1-based): chr20:59,024,080, C>T. VCF-style: chr20-59024080-C-T. GRCh37 (hg19) VCF-style: chr20-57599135-C-T.
Other names: short protein forms T218M.
Identifiers: ClinVar variation 4753337 (VCV004753337.1).

ClinVar aggregate classification (germline): Uncertain significance (1 of 4 stars; one submission).

gnomAD v4.1: 28 of 1,614,076 alleles (0.0017%); highest among the groups gnomAD compares: East Asian, 0.0045%; no homozygotes.

Submission:

Labcorp Genetics (formerly Invitae), Labcorp
Classification: Uncertain significance. Last evaluated: 2025-07-30. Review status: criteria provided, single submitter. Criteria: Invitae Variant Classification Sherloc (09022015). Collection method: clinical testing. Allele origin: germline.
Comment: This sequence change replaces threonine, which is neutral and polar, with methionine, which is neutral and non-polar, at codon 218 of the TUBB1 protein (p.Thr218Met). This variant is present in population databases (rs539171911, gnomAD 0.01%). This variant has not been reported in the literature in individuals affected with TUBB1-related conditions. Invitae Evidence Modeling of protein sequence and biophysical properties (such as structural, functional, and spatial information, amino acid conservation, physicochemical variation, residue mobility, and thermodynamic stability) indicates that this missense variant is not expected to disrupt TUBB1 protein function with a negative predictive value of 80%. In summary, the available evidence is currently insufficient to determine the role of this variant in disease. Therefore, it has been classified as a Variant of Uncertain Significance.